The following is an entry in ClinVar:

ClinVar aggregate classification (germline): Pathogenic/Likely pathogenic. Review status: criteria provided, multiple submitters, no conflicts (2 of 4 stars). 3 submissions from 3 submitters: Pathogenic (2); Likely pathogenic (1). Last evaluated 2026-01-15.

Conditions:
Cardiomyopathy, familial hypertrophic 27. Identifiers: MedGen C4748014, MONDO:0054838, OMIM 618052.

Allele frequency attached by ClinVar (database versions not stated): TOPMed 0.00001; gnomAD exomes 0.00002; ExAC 0.00004.

Submissions (3):

Labcorp Genetics (formerly Invitae), Labcorp
Classification: Pathogenic. Last evaluated: 2026-01-15. Review status: criteria provided, single submitter. Criteria: Invitae Variant Classification Sherloc (09022015). Collection method: clinical testing. Allele origin: germline.
Comment: This sequence change creates a premature translational stop signal (p.Gln567*) in the ALPK3 gene. It is expected to result in an absent or disrupted protein product. Loss-of-function variants in ALPK3 are known to be pathogenic (PMID: 21441111, 26846950, 27106955, 34263907). This variant is present in population databases (rs773730492, gnomAD 0.005%). This variant has not been reported in the literature in individuals affected with ALPK3-related conditions. ClinVar contains an entry for this variant (Variation ID: 424341). For these reasons, this variant has been classified as Pathogenic.

Victorian Clinical Genetics Services, Murdoch Childrens Research Institute
Classification: Pathogenic for Cardiomyopathy, familial hypertrophic 27. Last evaluated: 2025-08-27. Review status: criteria provided, single submitter. Criteria: ACMG Guidelines, 2015. Collection method: clinical testing. Allele origin: germline. Affected: yes.
Comment: This variant is classified as Pathogenic. Evidence in support of pathogenic classification: Variant is predicted to cause nonsense-mediated decay (NMD) and loss of protein (premature termination codon is located at least 54 nucleotides upstream of the final exon-exon junction); Variant is present in gnomAD <0.01 (v4: 6 heterozygote(s), 0 homozygote(s)); This variant has limited previous evidence of pathogenicity in unrelated individual(s). This variant has been classified as pathogenic/likely pathogenic by clinical laboratories in ClinVar; Other premature termination variants comparable to the one identified in this case have very strong previous evidence for pathogenicity. Many NMD-predicted variants in this gene have been reported as likely pathogenic/pathogenic (ClinVar). Monoallelic NMD-predicted ALPK3 variants have also been reported in adults with hypertrophic cardiomyopathy with age-dependent penetrance (PMIDs: 32480058, 34263907, 38356193). Additional information: This variant is heterozygous; This gene is associated with both recessive and dominant disease (PMIDs: 32480058, 34263907, 38356193); Loss of function is a known mechanism of disease in this gene and is associated with familial hypertrophic cardiomyopathy 27 (MIM#618052); The condition associated with this gene has incomplete penetrance. Age-dependent penetrance has been observed in the autosomal dominant condition (PMIDs: 32480058, 34263907, 38356193); Inheritance information for this variant is not currently available in this individual.

GeneDx
Classification: Likely pathogenic. Last evaluated: 2020-05-06. Review status: criteria provided, single submitter. Criteria: GeneDx Variant Classification Process June 2021. Collection method: clinical testing. Allele origin: germline. Affected: yes.
Comment: Has not been previously published as pathogenic or benign to our knowledge; Not observed at a significant frequency in large population cohorts (Lek et al., 2016); Nonsense variant predicted to result in protein truncation or nonsense mediated decay in a gene for which loss-of-function is a known mechanism of disease

Literature cited by the submitters: PubMed 21441111 (cited by Labcorp Genetics (formerly Invitae), Labcorp); PubMed 26846950 (cited by Labcorp Genetics (formerly Invitae), Labcorp); PubMed 27106955 (cited by Labcorp Genetics (formerly Invitae), Labcorp); PubMed 34263907 (cited by Labcorp Genetics (formerly Invitae), Labcorp and Victorian Clinical Genetics Services, Murdoch Childrens Research Institute); PubMed 38356193 (cited by Victorian Clinical Genetics Services, Murdoch Childrens Research Institute); PubMed 32480058 (cited by Victorian Clinical Genetics Services, Murdoch Childrens Research Institute).

NM_020778.5(ALPK3):c.1093C>T (p.Gln365Ter)

Gene: ALPK3 (alpha kinase 3; plus strand). Cytogenetic location: 15q25.3.
Variant type: single nucleotide variant.
Coding change: c.1093C>T on transcript NM_020778.5 (MANE Select); coding-DNA position 1093, C replaced by T.
Protein change: p.Gln365Ter; replaces glutamine 365 with a stop codon.
Molecular consequence: nonsense.
Genome position (GRCh38, 1-based): chr15:84,840,372, C>T. VCF-style: chr15-84840372-C-T. GRCh37 (hg19) VCF-style: chr15-85383603-C-T.
Other names: short protein forms Q567*, Q365*.
Identifiers: ClinVar variation 424341 (VCV000424341.11), dbSNP rs773730492, ClinGen allele CA7709121.